The following is an entry in ClinVar:

ClinVar aggregate classification (germline): Pathogenic. Review status: criteria provided, multiple submitters, no conflicts (2 of 4 stars). 3 submissions from 3 submitters: Pathogenic (3). Last evaluated 2024-08-06.

Conditions:
Hereditary cancer-predisposing syndrome. Also called: Neoplastic Syndromes, Hereditary; Hereditary Cancer Syndrome; Hereditary neoplastic syndrome; Tumor predisposition. Identifiers: Orphanet 140162, MedGen C0027672, MeSH D009386, MONDO:0015356.
Cardiovascular phenotype. Identifiers: MedGen CN230736.
Neurofibromatosis, type 1 (NF1). Also called: Neurofibromatosis, type I; Peripheral type neurofibromatosis; VON RECKLINGHAUSEN DISEASE; NEUROFIBROMATOSIS, TYPE I, SOMATIC. Identifiers: Orphanet 636, MedGen C0027831, MONDO:0018975, OMIM 162200. Disease mechanism: loss of function.

Submissions (3):

Labcorp Genetics (formerly Invitae), Labcorp
Classification: Pathogenic for Neurofibromatosis, type 1. Last evaluated: 2024-08-06. Review status: criteria provided, single submitter. Criteria: Invitae Variant Classification Sherloc (09022015). Collection method: clinical testing. Allele origin: germline.
Comment: This sequence change creates a premature translational stop signal (p.Ser2147Thrfs*32) in the NF1 gene. It is expected to result in an absent or disrupted protein product. Loss-of-function variants in NF1 are known to be pathogenic (PMID: 10712197, 23913538). This variant is not present in population databases (gnomAD no frequency). This variant has not been reported in the literature in individuals affected with NF1-related conditions. ClinVar contains an entry for this variant (Variation ID: 826407). For these reasons, this variant has been classified as Pathogenic.

Genome-Nilou Lab
Classification: Pathogenic for Neurofibromatosis, type 1. Last evaluated: 2022-03-15. Review status: criteria provided, single submitter. Criteria: ACMG Guidelines, 2015. Collection method: clinical testing. Allele origin: germline. Affected: no.

Ambry Genetics
Classification: Pathogenic for Cardiovascular phenotype; Hereditary cancer-predisposing syndrome. Last evaluated: 2019-09-11. Review status: criteria provided, single submitter. Criteria: Ambry Variant Classification Scheme 2023. Collection method: clinical testing. Allele origin: germline.
Comment: The c.6440delG pathogenic mutation, located in coding exon 42 of the NF1 gene, results from a deletion of one nucleotide at nucleotide position 6440, causing a translational frameshift with a predicted alternate stop codon (p.S2147Tfs*32). This alteration is expected to result in loss of function by premature protein truncation or nonsense-mediated mRNA decay. As such, this alteration is interpreted as a disease-causing mutation.

Literature cited by the submitters: PubMed 10712197 (cited by Labcorp Genetics (formerly Invitae), Labcorp); PubMed 23913538 (cited by Labcorp Genetics (formerly Invitae), Labcorp).

NM_001042492.3(NF1):c.6503del (p.Ser2168fs)

Gene: NF1 (neurofibromin 1; plus strand). Cytogenetic location: 17q11.2.
Variant type: Deletion.
Coding change: c.6503del on transcript NM_001042492.3 (MANE Select); coding-DNA position 6503, one base deleted (G; older notation c.6503delG).
Protein change: p.Ser2168fs; shifts the reading frame from serine 2168.
Molecular consequence: frameshift variant.
Genome position (GRCh38, 1-based): chr17:31,337,443, G deleted. VCF-style (leftmost placement, unchanged base first): chr17-31337442-AG-A. GRCh37 (hg19) VCF-style: chr17-29664460-AG-A.
Other names: c.6440delG (NM_000267.3); c.6440delG, p.Ser2147Thrfs (NM_000267.4); short protein forms S2168fs, S2147fs.
Identifiers: ClinVar variation 826407 (VCV000826407.12), dbSNP rs1597843782, ClinGen allele CA915949938.